The following is an entry in ClinVar:

NM_000088.4(COL1A1):c.3070C>T (p.Pro1024Ser)

Gene: COL1A1 (collagen type I alpha 1 chain; minus strand). Cytogenetic location: 17q21.33.
Variant type: single nucleotide variant.
Coding change: c.3070C>T on transcript NM_000088.4 (MANE Select); coding-DNA position 3070, C replaced by T.
Protein change: p.Pro1024Ser; replaces proline 1024 with serine.
Molecular consequence: missense variant.
Genome position (GRCh38, 1-based): chr17:50,188,771, G>A on the plus strand (C>T on the coding strand, the complement: COL1A1 is on the minus strand). VCF-style: chr17-50188771-G-A. GRCh37 (hg19) VCF-style: chr17-48266132-G-A.
Other names: short protein forms P1024S.
Identifiers: ClinVar variation 4996812 (VCV004996812.1).
Genomic context (GRCh38, chr17:50,188,771, plus strand): 5'-AGGCTGTGGTCATGGAGTGTTGCCATCTTACCTTGGCGCCAGGAGAACCGTCTCGTCCAG[G>A]GGAACCTTCGGCACCAGGAGCCCCCTGCAGAGAGAGAGAGAGAGAAGTGAGAGTCAGCCG-3'
Protein context (NP_000079.2, residues 1014-1034): REGAPGAEGS[Pro1024Ser]GRDGSPGAKG

ClinVar aggregate classification (germline): Uncertain significance (1 of 4 stars; one submission).

Conditions:
COL1A1-related disorder. Also called: COL1A1- related disease; COL1A1-related condition.

Submission:

PreventionGenetics, part of Exact Sciences
Classification: Uncertain significance for COL1A1-related condition. Last evaluated: 2025-02-12. Review status: criteria provided, single submitter. Criteria: ACMG Guidelines, 2015. Collection method: clinical testing. Allele origin: germline.
Comment: The COL1A1 c.3070C>T variant is predicted to result in the amino acid substitution p.Pro1024Ser. To our knowledge, this variant has not been reported in the literature or in a large population database (gnomAD), indicating this variant is rare. At this time, the clinical significance of this variant is uncertain due to the absence of conclusive functional and genetic evidence.